The following is an entry in ClinVar:

ClinVar aggregate classification (germline): Uncertain significance (1 of 4 stars; one submission).

Conditions:
Dyskeratosis congenita, autosomal dominant 6 (DKCA6). Identifiers: Orphanet 3322, MedGen C4225284, MONDO:0014690, OMIM 616553.

Submission:

Labcorp Genetics (formerly Invitae), Labcorp
Classification: Uncertain significance for Dyskeratosis congenita, autosomal dominant 6. Last evaluated: 2020-09-02. Review status: criteria provided, single submitter. Criteria: Invitae Variant Classification Sherloc (09022015). Collection method: clinical testing. Allele origin: germline.
Comment: In summary, the available evidence is currently insufficient to determine the role of this variant in disease. Therefore, it has been classified as a Variant of Uncertain Significance. Algorithms developed to predict the effect of missense changes on protein structure and function output the following: SIFT: "Deleterious"; PolyPhen-2: "Benign"; Align-GVGD: "Class C0". The arginine amino acid residue is found in multiple mammalian species, suggesting that this missense change does not adversely affect protein function. These predictions have not been confirmed by published functional studies and their clinical significance is uncertain. This variant has not been reported in the literature in individuals with ACD-related conditions. This variant is not present in population databases (ExAC no frequency). This sequence change replaces glycine with arginine at codon 27 of the ACD protein (p.Gly27Arg). The glycine residue is weakly conserved and there is a moderate physicochemical difference between glycine and arginine.

NC_000016.10:g.67660400C>G

Genes: ACD (ACD shelterin complex subunit and telomerase recruitment factor; minus strand), LOC130059224 (ATAC-STARR-seq lymphoblastoid silent region 7617; plus strand). Cytogenetic location: 16q22.1.
Variant type: single nucleotide variant.
Genome position: GRCh38 VCF-style: chr16-67660400-C-G. GRCh37 (hg19) VCF-style: chr16-67694303-C-G.
Identifiers: ClinVar variation 1025414 (VCV001025414.9), dbSNP rs2052987449, ClinGen allele CA396359900.